The following is an entry in ClinVar:

NM_001267550.2(TTN):c.36254A>G (p.Gln12085Arg)

Gene: TTN (titin; minus strand). Cytogenetic location: 2q31.2.
Variant type: single nucleotide variant.
Coding change: c.36254A>G on transcript NM_001267550.2 (MANE Select); coding-DNA position 36254, A replaced by G.
Protein change: p.Gln12085Arg; replaces glutamine 12085 with arginine.
Molecular consequence: missense variant. On other transcripts: intron variant (4).
Genome position (GRCh38, 1-based): chr2:178,664,486, T>C on the plus strand (A>G on the coding strand, the complement: TTN is on the minus strand). VCF-style: chr2-178664486-T-C. GRCh37 (hg19) VCF-style: chr2-179529213-T-C.
Other names: c.13283-22169A>G (NM_003319.4); c.13859-22169A>G (NM_133437.4); c.13658-22169A>G (NM_133432.3); c.34265-1431A>G (NM_001256850.1); c.31484-1431A>G (NM_133378.4); short protein forms Q12085R.
Identifiers: ClinVar variation 191987 (VCV000191987.22), dbSNP rs183220684, ClinGen allele CA238033.

ClinVar aggregate classification (germline): Conflicting classifications of pathogenicity. Review status: criteria provided, conflicting classifications (1 of 4 stars). 3 submissions from 3 submitters: Uncertain significance (1); Likely benign (2). Last evaluated 2026-02-03.

Conditions:
TTN-related disorder. Also called: TTN-related condition; TTN-related disease; TTN-related disorders.
Dilated cardiomyopathy 1G (CMD1G). Identifiers: Orphanet 154, MedGen C1858763, MONDO:0011400, OMIM 604145.
Autosomal recessive limb-girdle muscular dystrophy type 2J (LGMDR10). Also called: Limb-girdle muscular dystrophy, type 2J; MUSCULAR DYSTROPHY, LIMB-GIRDLE, AUTOSOMAL RECESSIVE 10. Identifiers: Orphanet 140922, MedGen C1837342, MONDO:0012127, OMIM 608807.

Allele frequency attached by ClinVar (database versions not stated): gnomAD 0.00005 and 0.00009; TOPMed 0.00011; ExAC 0.00029; gnomAD exomes 0.00029; 1000 Genomes Project 30x 0.00094; 1000 Genomes Project 0.00100.

Submissions (3):

PreventionGenetics, part of Exact Sciences
Classification: Likely benign for TTN-related condition. Last evaluated: 2026-02-03. Review status: criteria provided, single submitter. Criteria: ACMG Guidelines, 2015. Collection method: clinical testing. Allele origin: germline.
Comment: This variant is classified as likely benign based on ACMG/AMP sequence variant interpretation guidelines (Richards et al. 2015 PMID: 25741868, with internal and published modifications).

Labcorp Genetics (formerly Invitae), Labcorp
Classification: Likely benign for Dilated cardiomyopathy 1G; Autosomal recessive limb-girdle muscular dystrophy type 2J. Last evaluated: 2026-01-17. Review status: criteria provided, single submitter. Criteria: Invitae Variant Classification Sherloc (09022015). Collection method: clinical testing. Allele origin: germline.

Biesecker Lab/Clinical Genomics Section, National Institutes of Health
Classification: Uncertain significance. Last evaluated: 2013-06-24. Review status: criteria provided, single submitter. Criteria: Ng et al. (Circ Cardiovasc Genet. 2013). Collection method: research. Allele origin: unknown. Observed: 1 variant allele. Study: ClinSeq.
Comment: The study set was not selected for affection status in relation to any cancer. Pathogenicity categories were based on literature curation. See Pubmed ID:23861362 for details.

Medical sequencing